The following is an entry in ClinVar:

NM_017777.4(MKS1):c.1480C>T (p.Gln494Ter)

Gene: MKS1 (MKS transition zone complex subunit 1; minus strand). Cytogenetic location: 17q22.
Variant type: single nucleotide variant.
Coding change: c.1480C>T on transcript NM_017777.4 (MANE Select); coding-DNA position 1480, C replaced by T.
Protein change: p.Gln494Ter; replaces glutamine 494 with a stop codon.
Molecular consequence: nonsense. On other transcripts: intron variant (2).
Genome position (GRCh38, 1-based): chr17:58,206,475, G>A on the plus strand (C>T on the coding strand, the complement: MKS1 is on the minus strand). VCF-style: chr17-58206475-G-A. GRCh37 (hg19) VCF-style: chr17-56283836-G-A.
Other names: c.871C>T, p.Gln291Ter (NM_001321268.2); c.1274-95C>T (NM_001330397.2); c.1408-95C>T (NM_001321269.2); short protein forms Q291*, Q494*.
Identifiers: ClinVar variation 1725690 (VCV001725690.9), dbSNP rs2509403624, ClinGen allele CA400324642.

ClinVar aggregate classification (germline): Pathogenic/Likely pathogenic. Review status: criteria provided, multiple submitters, no conflicts (2 of 4 stars). 3 submissions from 3 submitters: Pathogenic (1); Likely pathogenic (2). Last evaluated 2023-02-23.

Conditions:
Meckel syndrome, type 1 (MKS1). Also called: MECKEL-GRUBER SYNDROME, TYPE 1. Identifiers: Orphanet 564, MedGen C3714506, MONDO:0009571, OMIM 249000.
Ciliopathy. Also called: Ciliopathies. Identifiers: Orphanet 363250, MedGen C4277690, MONDO:0005308, MeSH D000072661.
Joubert syndrome. Also called: Familial aplasia of the vermis; JOUBERT-BOLTSHAUSER SYNDROME. Identifiers: Orphanet 475, MedGen C5979921, MONDO:0018772.
Meckel-Gruber syndrome. Also called: Dysencephalia splachnocystica; DYSENCEPHALIA SPLANCHNOCYSTICA; GRUBER SYNDROME. Identifiers: Orphanet 564, MedGen C0265215, MONDO:0018921.

Submissions (3):

3billion
Classification: Likely pathogenic for Meckel syndrome, type 1. Last evaluated: 2023-02-23. Review status: criteria provided, single submitter. Criteria: ACMG Guidelines, 2015. Collection method: clinical testing. Allele origin: unknown. Affected: yes.
Comment: The variant is not observed in the gnomAD v2.1.1 dataset. This variant was predicted to result in a loss or disruption of normal protein function through nonsense-mediated decay (NMD) or protein truncation. Multiple pathogenic variants are reported downstream of the variant. Therefore, this variant is classified as Likely pathogenic according to the recommendation of ACMG/AMP guideline.

Labcorp Genetics (formerly Invitae), Labcorp
Classification: Pathogenic for Joubert syndrome; Meckel-Gruber syndrome. Last evaluated: 2022-10-31. Review status: criteria provided, single submitter. Criteria: Invitae Variant Classification Sherloc (09022015). Collection method: clinical testing. Allele origin: germline.
Comment: This sequence change creates a premature translational stop signal (p.Gln494*) in the MKS1 gene. It is expected to result in an absent or disrupted protein product. Loss-of-function variants in MKS1 are known to be pathogenic (PMID: 19466712, 24886560, 26490104). This variant is not present in population databases (gnomAD no frequency). This variant has not been reported in the literature in individuals affected with MKS1-related conditions. For these reasons, this variant has been classified as Pathogenic.

Myriad Genetics, Inc.
Classification: Likely pathogenic for Ciliopathy. Last evaluated: 2022-03-31. Review status: criteria provided, single submitter. Criteria: Myriad Autosomal Dominant, Autosomal Recessive and X-Linked Classification Criteria (2023). Collection method: clinical testing. Allele origin: unknown.
Comment: NM_017777.3(MKS1):c.1480C>T(Q494*) is expected to be pathogenic in the context of MKS1-related disorders. This variant is predicted to lead to an abnormal or absent protein product due to the creation of a premature termination codon in MKS1, a gene where loss-of-function variants are known to be pathogenic. Please note: this variant was assessed in the context of healthy population screening.

Literature cited by the submitters: PubMed 19466712 (cited by Labcorp Genetics (formerly Invitae), Labcorp); PubMed 24886560 (cited by Labcorp Genetics (formerly Invitae), Labcorp); PubMed 26490104 (cited by Labcorp Genetics (formerly Invitae), Labcorp).